The following is an entry in ClinVar:

ClinVar aggregate classification (germline): Uncertain significance. Review status: criteria provided, multiple submitters, no conflicts (2 of 4 stars). 3 submissions from 3 submitters: Uncertain significance (3). Last evaluated 2026-01-06.

Conditions:
Arrhythmogenic right ventricular dysplasia 9 (ARVD9). Also called: Arrhythmogenic Right Ventricular Dysplasia/Cardiomyopathy 9; ARRHYTHMOGENIC RIGHT VENTRICULAR DYSPLASIA, FAMILIAL, 9. Identifiers: MedGen C1836906, MONDO:0012180, OMIM 609040.
Cardiovascular phenotype. Identifiers: MedGen CN230736.

Allele frequency attached by ClinVar (database versions not stated): gnomAD 0.00001; TOPMed 0.00001.
gnomAD v4.1: 3 of 1,612,218 alleles (0.00019%); highest among the groups gnomAD compares: Non-Finnish European, 0.00025%; no homozygotes.

Submissions (3):

Labcorp Genetics (formerly Invitae), Labcorp
Classification: Uncertain significance for Arrhythmogenic right ventricular dysplasia 9. Last evaluated: 2026-01-06. Review status: criteria provided, single submitter. Criteria: Invitae Variant Classification Sherloc (09022015). Collection method: clinical testing. Allele origin: germline.
Comment: This sequence change replaces lysine, which is basic and polar, with threonine, which is neutral and polar, at codon 456 of the PKP2 protein (p.Lys456Thr). This variant is not present in population databases (gnomAD no frequency). This missense change has been observed in individual(s) with sudden cardiac death (PMID: 34120153). ClinVar contains an entry for this variant (Variation ID: 464411). An algorithm developed to predict the effect of missense changes on protein structure and function (PolyPhen-2) suggests that this variant is likely to be disruptive. In summary, the available evidence is currently insufficient to determine the role of this variant in disease. Therefore, it has been classified as a Variant of Uncertain Significance.

Ambry Genetics
Classification: Uncertain significance for Cardiovascular phenotype. Last evaluated: 2022-10-11. Review status: criteria provided, single submitter. Criteria: Ambry Variant Classification Scheme 2023. Collection method: clinical testing. Allele origin: germline.
Comment: The p.K456T variant (also known as c.1367A>C), located in coding exon 5 of the PKP2 gene, results from an A to C substitution at nucleotide position 1367. The lysine at codon 456 is replaced by threonine, an amino acid with similar properties. This alteration was reported in a subject who experienced sudden cardiac death (Dries AM et al. Genet Med, 2021 10;23:1961-1968). This amino acid position is highly conserved in available vertebrate species. In addition, this alteration is predicted to be tolerated by in silico analysis. Since supporting evidence is limited at this time, the clinical significance of this alteration remains unclear.

Fulgent Genetics
Classification: Uncertain significance for Arrhythmogenic right ventricular dysplasia 9. Last evaluated: 2021-09-21. Review status: criteria provided, single submitter. Criteria: ACMG Guidelines, 2015. Collection method: clinical testing. Allele origin: unknown.

Literature cited by the submitters: PubMed 34120153 (cited by Labcorp Genetics (formerly Invitae), Labcorp and Ambry Genetics).

NM_001005242.3(PKP2):c.1367A>C (p.Lys456Thr)

Gene: PKP2 (plakophilin 2; minus strand). Cytogenetic location: 12p11.21.
Variant type: single nucleotide variant.
Coding change: c.1367A>C on transcript NM_001005242.3 (MANE Select); coding-DNA position 1367, A replaced by C.
Protein change: p.Lys456Thr; replaces lysine 456 with threonine.
Molecular consequence: missense variant.
Genome position (GRCh38, 1-based): chr12:32,850,777, T>G on the plus strand (A>C on the coding strand, the complement: PKP2 is on the minus strand). VCF-style: chr12-32850777-T-G. GRCh37 (hg19) VCF-style: chr12-33003711-T-G.
Other names: c.1367A>C, p.Lys456Thr (NM_004572.4); short protein forms K456T.
Identifiers: ClinVar variation 464411 (VCV000464411.13), dbSNP rs750897570, ClinGen allele CA384369579.